The following is an entry in ClinVar:

NM_181882.3(PRX):c.2645T>C (p.Val882Ala)

Gene: PRX (periaxin; minus strand). Cytogenetic location: 19q13.2.
Variant type: single nucleotide variant.
Coding change: c.2645T>C on transcript NM_181882.3 (MANE Select); coding-DNA position 2645, T replaced by C.
Protein change: p.Val882Ala; replaces valine 882 with alanine.
Molecular consequence: missense variant. On other transcripts: 3 prime UTR variant (1).
Genome position (GRCh38, 1-based): chr19:40,395,707, A>G on the plus strand (T>C on the coding strand, the complement: PRX is on the minus strand). VCF-style: chr19-40395707-A-G. GRCh37 (hg19) VCF-style: chr19-40901614-A-G.
Other names: c.*2850T>C (NM_020956.2); short protein forms V882A.
Identifiers: ClinVar variation 130048 (VCV000130048.33), dbSNP rs268671, ClinGen allele CA154795.

ClinVar aggregate classification (germline): Benign. Review status: criteria provided, multiple submitters, no conflicts (2 of 4 stars). 14 submissions from 13 submitters: Benign (10). 4 of the submissions do not count toward it. Last evaluated 2026-02-04.

Conditions:
Charcot-Marie-Tooth disease. Also called: Charcot-Marie-Tooth Hereditary Neuropathy; Charcot-Marie-Tooth Neuropathy. Identifiers: Orphanet 166, MedGen C0007959, MONDO:0015626.
Charcot-Marie-Tooth disease type 4. Also called: Charcot-Marie-Tooth, Type 4; Charcot-Marie-Tooth disease, type IV. Identifiers: Orphanet 64749, MedGen C4082197, MONDO:0018995.
Dejerine-Sottas disease. Also called: HMSN Type III; Hereditary motor and sensory neuropathy 3; HEREDITARY MOTOR AND SENSORY NEUROPATHY TYPE III; Charcot-Marie-Tooth disease type 3; DEJERINE-SOTTAS NEUROPATHY. Identifiers: Orphanet 64748, MedGen C0011195, MONDO:0007790, OMIM 145900.
Charcot-Marie-Tooth disease type 4F. Also called: Charcot-Marie-Tooth disease, demyelinating, type 4F. Identifiers: Orphanet 99952, MedGen C3540453, MONDO:0013959, OMIM 614895.

Allele frequency attached by ClinVar (database versions not stated): gnomAD exomes 0.49985 and 0.52118; ExAC 0.50685; 1000 Genomes Project 0.53195; 1000 Genomes Project 30x 0.53998; gnomAD 0.57855 and 0.59048; TOPMed 0.59578; ESP Exome Variant Server 0.60972.

Submissions (14):

Labcorp Genetics (formerly Invitae), Labcorp
Classification: Benign for Charcot-Marie-Tooth disease type 4. Last evaluated: 2026-02-04. Review status: criteria provided, single submitter. Criteria: Invitae Variant Classification Sherloc (09022015). Collection method: clinical testing. Allele origin: germline.

Blueprint Genetics
Classification: Benign. Last evaluated: 2024-11-28. Review status: criteria provided, single submitter. Criteria: ACMG Guidelines, 2015. Collection method: clinical testing. Allele origin: germline.

Genome-Nilou Lab
Classification: Benign for Charcot-Marie-Tooth disease type 4F. Last evaluated: 2021-10-25. Review status: criteria provided, single submitter. Criteria: ACMG Guidelines, 2015. Collection method: clinical testing. Allele origin: germline. Affected: no.

Genome-Nilou Lab
Classification: Benign for Dejerine-Sottas disease. Last evaluated: 2021-10-25. Review status: criteria provided, single submitter. Criteria: ACMG Guidelines, 2015. Collection method: clinical testing. Allele origin: germline. Affected: no.

Illumina Laboratory Services, Illumina
Classification: Benign for Charcot-Marie-Tooth disease type 4F. Last evaluated: 2018-01-12. Review status: criteria provided, single submitter. Criteria: ICSL Variant Classification Criteria 13 December 2019. Collection method: clinical testing. Allele origin: germline.
Comment: This variant was observed in the ICSL laboratory as part of a predisposition screen in an ostensibly healthy population. It had not been previously curated by ICSL or reported in the Human Gene Mutation Database (HGMD: prior to June 1st, 2018), and was therefore a candidate for classification through an automated scoring system. Utilizing variant allele frequency, disease prevalence and penetrance estimates, and inheritance mode, an automated score was calculated to assess if this variant is too frequent to cause the disease. Based on the score and internal cut-off values, a variant classified as benign is not then subjected to further curation. The score for this variant resulted in a classification of benign for this disease.

Athena Diagnostics
Classification: Benign. Last evaluated: 2017-07-12. Review status: criteria provided, single submitter. Criteria: Athena Diagnostics Criteria. Collection method: clinical testing. Allele origin: germline.

Mayo Clinic Laboratories, Mayo Clinic
Classification: Benign. Last evaluated: 2015-08-27. Review status: criteria provided, single submitter. Criteria: ACMG Guidelines, 2015. Collection method: clinical testing. Allele origin: germline. Observed: 1,635 variant alleles.

GeneDx
Classification: Benign. Last evaluated: 2015-03-03. Review status: criteria provided, single submitter. Criteria: GeneDx Variant Classification Process June 2021. Collection method: clinical testing. Allele origin: germline. Affected: yes.

Breakthrough Genomics
Classification: Benign. Review status: criteria provided, single submitter. Criteria: ACMG Guidelines, 2015. Collection method: not provided. Allele origin: germline. Inheritance: Autosomal recessive inheritance. Affected: yes.

Molecular Genetics Laboratory, London Health Sciences Centre
Classification: Benign for Charcot-Marie-Tooth disease. Review status: criteria provided, single submitter. Criteria: ACMG Guidelines, 2015. Collection method: clinical testing. Allele origin: germline. Affected: yes.

Clinical Genetics, Academic Medical Center
Classification: Benign. Review status: no assertion criteria provided. Collection method: clinical testing. Allele origin: germline. Affected: yes. Study: VKGL Data-share Consensus. Not counted in ClinVar's aggregate classification.

Diagnostic Laboratory, Department of Genetics, University Medical Center Groningen
Classification: Benign. Review status: no assertion criteria provided. Collection method: clinical testing. Allele origin: germline. Affected: yes. Study: VKGL Data-share Consensus. Not counted in ClinVar's aggregate classification.

Genetic Services Laboratory, University of Chicago
Classification: Likely benign for AllHighlyPenetrant. Review status: no assertion criteria provided. Collection method: clinical testing. Allele origin: germline. Inheritance: Autosomal recessive inheritance. Not counted in ClinVar's aggregate classification.
Comment: Likely benign based on allele frequency in 1000 Genomes Project or ESP global frequency and its presence in a patient with a rare or unrelated disease phenotype. NOT Sanger confirmed.

Joint Genome Diagnostic Labs from Nijmegen and Maastricht, Radboudumc and MUMC+
Classification: Benign. Review status: no assertion criteria provided. Collection method: clinical testing. Allele origin: germline. Affected: yes. Study: VKGL Data-share Consensus. Not counted in ClinVar's aggregate classification.